The following is an entry in ClinVar:

ClinVar aggregate classification (germline): Likely pathogenic (0 of 4 stars; one submission).

Conditions:
Macrothrombocytopenia and granulocyte inclusions with or without nephritis or sensorineural hearing loss (MATINS). Also called: BLEEDING DISORDER, PLATELET-TYPE, 6; MAY-HEGGLIN ANOMALY; DOHLE LEUKOCYTE INCLUSIONS WITH GIANT PLATELETS; MACROTHROMBOCYTOPENIA WITH LEUKOCYTE INCLUSIONS; SEBASTIAN PLATELET SYNDROME; MACROTHROMBOCYTOPENIA WITH DISPERSED LEUKOCYTIC INCLUSIONS. Identifiers: Orphanet 182050, MedGen C5200934, MONDO:0015912, OMIM 155100.

Submission:

Unidade de Genética Molecular, Centro Hospitalar Universitário do Porto
Classification: Likely pathogenic for Macrothrombocytopenia and granulocyte inclusions with or without nephritis or sensorineural hearing loss. Last evaluated: 2022-07-07. Review status: no assertion criteria provided. Collection method: research. Allele origin: paternal. Inheritance: Autosomal dominant inheritance. Affected: yes. Observed: 1 heterozygote.
Comment: PM2, PM1, PM4, PP1

NM_002473.6(MYH9):c.167_169del (p.Val56del)

Gene: MYH9 (myosin heavy chain 9; minus strand). Cytogenetic location: 22q12.3.
Variant type: Deletion.
Coding change: c.167_169del on transcript NM_002473.6 (MANE Select); coding-DNA positions 167 to 169, 3 bases deleted (TGG; older notation c.167_169delTGG).
Protein change: p.Val56del; deletes valine 56.
Molecular consequence: inframe deletion.
Genome position (GRCh38, 1-based): chr22:36,349,068-36,349,070, CCA deleted on the plus strand (TGG on the coding strand, the reverse complement: MYH9 is on the minus strand); deleting any 3 consecutive bases within chr22:36,349,068-36,349,071 gives the same sequence; the c. name uses the placement nearest the transcript's 3' end. VCF-style (leftmost placement, unchanged base first): chr22-36349067-TCCA-T. GRCh37 (hg19) VCF-style: chr22-36745112-TCCA-T.
Other names: short protein forms V56del.
Identifiers: ClinVar variation 1693576 (VCV001693576.4), dbSNP rs2146392922, ClinGen allele CA2580099727.